The following is an entry in ClinVar:

ClinVar aggregate classification (germline): Pathogenic/Likely pathogenic. Review status: criteria provided, multiple submitters, no conflicts (2 of 4 stars). 3 submissions from 3 submitters: Pathogenic (1); Likely pathogenic (2). Last evaluated 2024-06-05.

Conditions:
Autosomal recessive Robinow syndrome (RRS1). Also called: ROR2-Related Robinow Syndrome; ROBINOW SYNDROME, AUTOSOMAL RECESSIVE 1; COSTOVERTEBRAL SEGMENTATION DEFECT WITH MESOMELIA; COVESDEM SYNDROME. Identifiers: Orphanet 1507, Orphanet 97360, MedGen C5399974, MONDO:0009999, OMIM 268310.
Brachydactyly type B1 (BDB1). Identifiers: Orphanet 572385, Orphanet 93383, MedGen C1862112, MONDO:0007220, OMIM 113000.

gnomAD v4.1: 2 of 1,609,080 alleles (0.00012%); highest among the groups gnomAD compares: Non-Finnish European, 0.000085%; no homozygotes.

Submissions (3):

Fulgent Genetics
Classification: Likely pathogenic for Brachydactyly type B1; Autosomal recessive Robinow syndrome. Last evaluated: 2024-06-05. Review status: criteria provided, single submitter. Criteria: ACMG Guidelines, 2015. Collection method: clinical testing. Allele origin: germline.

Labcorp Genetics (formerly Invitae), Labcorp
Classification: Pathogenic. Last evaluated: 2024-04-17. Review status: criteria provided, single submitter. Criteria: Invitae Variant Classification Sherloc (09022015). Collection method: clinical testing. Allele origin: germline.
Comment: This sequence change creates a premature translational stop signal (p.Arg528*) in the ROR2 gene. While this is not anticipated to result in nonsense mediated decay, it is expected to disrupt the last 416 amino acid(s) of the ROR2 protein. This variant is not present in population databases (gnomAD no frequency). This variant has not been reported in the literature in individuals affected with ROR2-related conditions. ClinVar contains an entry for this variant (Variation ID: 1455301). This variant disrupts a region of the ROR2 protein in which other variant(s) (p.Trp720*) have been determined to be pathogenic (PMID: 10932187). This suggests that this is a clinically significant region of the protein, and that variants that disrupt it are likely to be disease-causing. For these reasons, this variant has been classified as Pathogenic.

Neuberg Centre For Genomic Medicine, NCGM
Classification: Likely pathogenic for Autosomal recessive Robinow syndrome. Review status: criteria provided, single submitter. Criteria: ACMG Guidelines, 2015. Collection method: clinical testing. Allele origin: germline. Inheritance: Autosomal recessive inheritance. Affected: yes.
Comment: The stop gain c.1582C>T (p.Arg528Ter) variant in ROR2 gene has been reported to the ClinVar database as Pathogenic. The c.1582C>T variant is novel (not in any individuals) in both gnomAD Exomes and 1000 Genomes databases. The nucleotide change c.1582C>T in ROR2 is predicted as conserved by GERP++ and PhyloP across 100 vertebrates. Loss of function variants have been previously reported to be disease causing. This variant is present in the last exon of the ROR2 gene, and hence, additional studies will be required to prove the pathogenicity of this variant. However, other pathogenic truncating variants [(c.2160G>A | p.Trp720Ter); (c.2249del | p.Gly750fs)], downstream to the above reported variants, have previously been reported (van Bokhoven et al. 2000; Lv et al. 2009). For these reasons, this variant has been classified as Likely Pathogenic.

Literature cited by the submitters: PubMed 10932187 (cited by Labcorp Genetics (formerly Invitae), Labcorp).

NM_004560.4(ROR2):c.1582C>T (p.Arg528Ter)

Gene: ROR2 (receptor tyrosine kinase like orphan receptor 2; minus strand). Cytogenetic location: 9q22.31.
Variant type: single nucleotide variant.
Coding change: c.1582C>T on transcript NM_004560.4 (MANE Select); coding-DNA position 1582, C replaced by T.
Protein change: p.Arg528Ter; replaces arginine 528 with a stop codon.
Molecular consequence: nonsense.
Genome position (GRCh38, 1-based): chr9:91,724,912, G>A on the plus strand (C>T on the coding strand, the complement: ROR2 is on the minus strand). VCF-style: chr9-91724912-G-A. GRCh37 (hg19) VCF-style: chr9-94487194-G-A.
Other names: short protein forms R528*.
Identifiers: ClinVar variation 1455301 (VCV001455301.7), dbSNP rs1448877786, ClinGen allele CA373798056.